The following is an entry in ClinVar:

ClinVar aggregate classification (germline): Likely pathogenic. Review status: criteria provided, multiple submitters, no conflicts (2 of 4 stars). 2 submissions from 2 submitters: Likely pathogenic (2). Last evaluated 2025-04-13.

Conditions:
SLC4A11-related disorder. Also called: SLC4A11-related condition.
Corneal dystrophy-perceptive deafness syndrome (CDPD). Also called: CORNEAL DYSTROPHY AND SENSORINEURAL DEAFNESS; HARBOYAN SYNDROME. Identifiers: Orphanet 1490, MedGen C1857572, MONDO:0009015, OMIM 217400.

Submissions (2):

Natera, Inc.
Classification: Likely pathogenic for Corneal dystrophy-perceptive deafness syndrome. Last evaluated: 2025-04-13. Review status: criteria provided, single submitter. Criteria: Natera Variant Classification Schema (03/2026). Collection method: clinical testing. Allele origin: germline.
Comment: The c.1642del variant in SLC4A11 is a frameshift variant predicted to shift the reading frame beginning at codon 548 and leads to a stop codon 86 codons downstream. This variant is expected to result in nonsense mediated decay, truncation, or a dysfunctional protein product. This variant is rare in the general population with a frequency below the threshold expected for the associated phenotype(s). Given the available evidence, this variant is classified as Likely Pathogenic.

Blueprint Genetics
Classification: Likely pathogenic for SLC4A11-related disorders. Last evaluated: 2021-08-05. Review status: criteria provided, single submitter. Criteria: ACMG Guidelines, 2015. Collection method: clinical testing. Allele origin: germline. Affected: yes. Observed: 1 variant allele.

NM_001174089.2(SLC4A11):c.1594del (p.Leu532fs)

Gene: SLC4A11 (solute carrier family 4 member 11; minus strand). Cytogenetic location: 20p13.
Variant type: Deletion.
Coding change: c.1594del on transcript NM_001174089.2 (MANE Select); coding-DNA position 1594, one base deleted (C; older notation c.1594delC).
Protein change: p.Leu532fs; shifts the reading frame from leucine 532.
Molecular consequence: frameshift variant. On other transcripts: non-coding transcript variant (3).
Genome position (GRCh38, 1-based): chr20:3,229,672, G deleted on the plus strand (C on the coding strand, the reverse complement: SLC4A11 is on the minus strand); the first of 2 consecutive G bases (chr20:3,229,672-3,229,673); deleting either gives the same sequence. VCF-style (leftmost placement, unchanged base first): chr20-3229671-AG-A. GRCh37 (hg19) VCF-style: chr20-3210317-AG-A.
Other names: c.1723del, p.Leu575fs (NM_001174090.2); c.1480del, p.Leu494fs (NM_001363745.2); c.1537del, p.Leu513fs (NM_001400277.1, NM_001400278.1, NM_001400279.1); c.1609del, p.Leu537fs (NM_001400280.1); c.1642del, p.Leu548fs (NM_032034.4); short protein forms L494fs, L513fs, L532fs, L537fs, L548fs, L575fs.
Identifiers: ClinVar variation 4061826 (VCV004061826.3).